The following is an entry in ClinVar:

ClinVar aggregate classification (germline): Uncertain significance (1 of 4 stars; one submission).

Submission:

Women's Health and Genetics/Laboratory Corporation of America, LabCorp
Classification: Uncertain significance. Last evaluated: 2018-09-24. Review status: criteria provided, single submitter. Criteria: LabCorp Variant Classification Summary - May 2015. Collection method: clinical testing. Allele origin: germline.
Comment: Variant summary: COL3A1 c.448-6C>A alters a non-conserved nucleotide located close to a canonical splice site and therefore could affect mRNA splicing, leading to a significantly altered protein sequence. 5/5 computational tools predict no significant impact on normal splicing. However, these predictions have yet to be confirmed by functional studies. The variant was absent in 245680 control chromosomes (gnomAD). The available data on variant occurrences in the general population are insufficient to allow any conclusion about variant significance. To our knowledge, no occurrence of c.448-6C>A in individuals affected with Aortopathy and no experimental evidence demonstrating its impact on protein function have been reported. No clinical diagnostic laboratories have submitted clinical-significance assessments for this variant to ClinVar after 2014. Based on the evidence outlined above, the variant was classified as uncertain significance.

NM_000090.4(COL3A1):c.448-6C>A

Gene: COL3A1 (collagen type III alpha 1 chain; plus strand). Cytogenetic location: 2q32.2.
Variant type: single nucleotide variant.
Coding change: c.448-6C>A on transcript NM_000090.4 (MANE Select); 6 bases into the intron before coding-DNA position 448, C replaced by A.
Molecular consequence: intron variant.
Genome position (GRCh38, 1-based): chr2:188,987,053, C>A. VCF-style: chr2-188987053-C-A. GRCh37 (hg19) VCF-style: chr2-189851779-C-A.
Identifiers: ClinVar variation 632775 (VCV000632775.1), dbSNP rs751856761, ClinGen allele CA913189388.
Genomic context (GRCh38, chr2:188,987,053, plus strand): 5'-ATGCTTTTTAAAAGAATTATGAACTGTCTGTTAAAATGATCATATCTATTTGTCTCCTTG[C>A]CACAGAACTATTCTCCCCAGTATGATTCATATGATGTCAAGTCTGGAGTAGCAGTAGGAG-3'